The following is an entry in ClinVar:

NM_014727.3(KMT2B):c.3171G>A (p.Glu1057=)

Gene: KMT2B (lysine methyltransferase 2B; plus strand). Cytogenetic location: 19q13.12.
Variant type: single nucleotide variant.
Coding change: c.3171G>A on transcript NM_014727.3 (MANE Select); coding-DNA position 3171, G replaced by A.
Protein change: p.Glu1057=; no amino-acid change (glutamic acid 1057 retained).
Molecular consequence: synonymous variant.
Genome position (GRCh38, 1-based): chr19:35,723,844, G>A. VCF-style: chr19-35723844-G-A. GRCh37 (hg19) VCF-style: chr19-36214745-G-A.
Identifiers: ClinVar variation 1983809 (VCV001983809.29), dbSNP rs757772770, ClinGen allele CA9384675.

ClinVar aggregate classification (germline): Benign/Likely benign. Review status: criteria provided, multiple submitters, no conflicts (2 of 4 stars). 3 submissions from 3 submitters: Benign (1); Likely benign (2). Last evaluated 2025-10-01.

Allele frequency attached by ClinVar (database versions not stated): gnomAD exomes 0.00001; ExAC 0.00003; gnomAD 0.00005; TOPMed 0.00009.
gnomAD v4.1: 29 of 1,602,958 alleles (0.0018%); highest among the groups gnomAD compares: African/African-American, 0.019%; 1 homozygote.

Submissions (3):

Labcorp Genetics (formerly Invitae), Labcorp
Classification: Benign. Last evaluated: 2025-10-01. Review status: criteria provided, single submitter. Criteria: Invitae Variant Classification Sherloc (09022015). Collection method: clinical testing. Allele origin: germline.

Blueprint Genetics
Classification: Likely benign. Last evaluated: 2024-03-22. Review status: criteria provided, single submitter. Criteria: ACMG Guidelines, 2015. Collection method: clinical testing. Allele origin: germline.

CeGaT Center for Human Genetics Tuebingen
Classification: Likely benign. Last evaluated: 2023-10-01. Review status: criteria provided, single submitter. Criteria: CeGaT Center For Human Genetics Tuebingen Variant Classification Criteria Version 2. Collection method: clinical testing. Allele origin: germline. Affected: yes. Observed: 1 variant allele.
Comment: KMT2B: BP4, BP7